The following is an entry in ClinVar:

NM_018706.7(DHTKD1):c.2668G>T (p.Val890Leu)

Gene: DHTKD1 (dehydrogenase E1 and transketolase domain containing 1; plus strand). Cytogenetic location: 10p14.
Variant type: single nucleotide variant.
Coding change: c.2668G>T on transcript NM_018706.7 (MANE Select); coding-DNA position 2668, G replaced by T.
Protein change: p.Val890Leu; replaces valine 890 with leucine.
Molecular consequence: missense variant.
Genome position (GRCh38, 1-based): chr10:12,120,796, G>T. VCF-style: chr10-12120796-G-T. GRCh37 (hg19) VCF-style: chr10-12162795-G-T.
Other names: short protein forms V890L.
Identifiers: ClinVar variation 2917026 (VCV002917026.3), dbSNP rs1447581461, ClinGen allele CA376017720.

ClinVar aggregate classification (germline): Uncertain significance (1 of 4 stars; one submission).

Conditions:
2-aminoadipic 2-oxoadipic aciduria (AAKAD). Also called: ALPHA-AMINOADIPIC AND ALPHA-KETOADIPIC ACIDURIA; Aminoadipic aciduria. Identifiers: Orphanet 79154, MedGen C1859817, MONDO:0008774, OMIM 204750.

Allele frequency attached by ClinVar (database versions not stated): gnomAD 0.00001; TOPMed 0.00001.
gnomAD v4.1: 4 of 1,613,920 alleles (0.00025%); highest among the groups gnomAD compares: Middle Eastern, 0.033%; no homozygotes.

Submission:

Labcorp Genetics (formerly Invitae), Labcorp
Classification: Uncertain significance for 2-aminoadipic 2-oxoadipic aciduria. Last evaluated: 2025-09-08. Review status: criteria provided, single submitter. Criteria: Invitae Variant Classification Sherloc (09022015). Collection method: clinical testing. Allele origin: germline.
Comment: This sequence change replaces valine, which is neutral and non-polar, with leucine, which is neutral and non-polar, at codon 890 of the DHTKD1 protein (p.Val890Leu). This variant is not present in population databases (gnomAD no frequency). This variant has not been reported in the literature in individuals affected with DHTKD1-related conditions. ClinVar contains an entry for this variant (Variation ID: 2917026). Invitae Evidence Modeling of protein sequence and biophysical properties (such as structural, functional, and spatial information, amino acid conservation, physicochemical variation, residue mobility, and thermodynamic stability) indicates that this missense variant is not expected to disrupt DHTKD1 protein function with a negative predictive value of 80%. In summary, the available evidence is currently insufficient to determine the role of this variant in disease. Therefore, it has been classified as a Variant of Uncertain Significance.